The following is an entry in ClinVar:

ClinVar aggregate classification (germline): Uncertain significance (1 of 4 stars; one submission).

Conditions:
Hereditary cancer-predisposing syndrome. Also called: Neoplastic Syndromes, Hereditary; Tumor predisposition; Hereditary neoplastic syndrome; Hereditary Cancer Syndrome. Identifiers: Orphanet 140162, MedGen C0027672, MeSH D009386, MONDO:0015356.

Submission:

Ambry Genetics
Classification: Uncertain significance for Hereditary cancer-predisposing syndrome. Last evaluated: 2026-06-15. Review status: criteria provided, single submitter. Criteria: Ambry Variant Classification Scheme 2023. Collection method: clinical testing. Allele origin: germline.
Comment: The p.V186M variant (also known as c.556G>A), located in coding exon 4 of the NTHL1 gene, results from a G to A substitution at nucleotide position 556. The valine at codon 186 is replaced by methionine, an amino acid with highly similar properties. This amino acid position is well conserved in available vertebrate species. In addition, this alteration is predicted to be deleterious by in silico analysis. Based on the available evidence, the clinical significance of this variant remains unclear.

NM_002528.7(NTHL1):c.532G>A (p.Val178Met)

Gene: NTHL1 (nth like DNA glycosylase 1; minus strand). Cytogenetic location: 16p13.3.
Variant type: single nucleotide variant.
Coding change: c.532G>A on transcript NM_002528.7 (MANE Select); coding-DNA position 532, G replaced by A.
Protein change: p.Val178Met; replaces valine 178 with methionine.
Molecular consequence: missense variant.
Genome position (GRCh38, 1-based): chr16:2,043,720, C>T on the plus strand (G>A on the coding strand, the complement: NTHL1 is on the minus strand). VCF-style: chr16-2043720-C-T. GRCh37 (hg19) VCF-style: chr16-2093721-C-T.
Other names: c.361G>A, p.Val121Met (NM_001318193.2); c.202G>A, p.Val68Met (NM_001318194.2); short protein forms V121M, V68M, V178M.
Identifiers: ClinVar variation 5025879 (VCV005025879.1).